The following is an entry in ClinVar:

ClinVar aggregate classification (germline): Uncertain significance (1 of 4 stars; one submission).

Submission:

GeneDx
Classification: Uncertain significance. Last evaluated: 2025-05-16. Review status: criteria provided, single submitter. Criteria: GeneDx Variant Classification Process June 2021. Collection method: clinical testing. Allele origin: germline. Affected: yes.
Comment: Not observed at significant frequency in large population cohorts (gnomAD); In silico analysis supports that this missense variant has a deleterious effect on protein structure/function; Has not been previously published as pathogenic or benign to our knowledge.

NM_006885.4(ZFHX3):c.7082A>T (p.Asp2361Val)

Genes: ZFHX3 (zinc finger homeobox 3; minus strand), ZFHX3-AS1 (ZFHX3 antisense RNA 1; plus strand). Cytogenetic location: 16q22.2.
Variant type: single nucleotide variant.
Coding change: c.7082A>T on transcript NM_006885.4 (MANE Select); coding-DNA position 7082, A replaced by T.
Protein change: p.Asp2361Val; replaces aspartic acid 2361 with valine.
Molecular consequence: missense variant.
Genome position (GRCh38, 1-based): chr16:72,795,600, T>A on the plus strand (A>T on the coding strand, the complement: ZFHX3 is on the minus strand). VCF-style: chr16-72795600-T-A. GRCh37 (hg19) VCF-style: chr16-72829499-T-A.
Other names: c.4340A>T, p.Asp1447Val (NM_001164766.2); c.7082A>T, p.Asp2361Val (NM_001386735.1); short protein forms D1447V, D2361V.
Identifiers: ClinVar variation 4529628 (VCV004529628.1).